The following is an entry in ClinVar:

NM_005585.5(SMAD6):c.1461_1462delinsTT (p.Trp487Cys)

Gene: SMAD6 (SMAD family member 6; plus strand). Cytogenetic location: 15q22.31.
Variant type: Indel.
Coding change: c.1461_1462delinsTT on transcript NM_005585.5 (MANE Select); coding-DNA positions 1461 to 1462, GC replaced by TT.
Protein change: p.Trp487Cys; replaces tryptophan 487 with cysteine.
Molecular consequence: missense variant. On other transcripts: non-coding transcript variant (1).
Genome position (GRCh38, 1-based): chr15:66,781,505-66,781,506, GC replaced by TT. VCF-style: chr15-66781505-GC-TT. GRCh37 (hg19) VCF-style: chr15-67073843-GC-TT.
Other names: short protein forms W487C.
Identifiers: ClinVar variation 3641608 (VCV003641608.2).

ClinVar aggregate classification (germline): Uncertain significance (1 of 4 stars; one submission).

Conditions:
Aortic valve disease 2 (AOVD2). Identifiers: MedGen C3542024, MONDO:0013902, OMIM 614823.

Submission:

Labcorp Genetics (formerly Invitae), Labcorp
Classification: Uncertain significance for Aortic valve disease 2. Last evaluated: 2024-02-17. Review status: criteria provided, single submitter. Criteria: Invitae Variant Classification Sherloc (09022015). Collection method: clinical testing. Allele origin: germline.
Comment: This sequence change replaces tryptophan, which is neutral and slightly polar, with cysteine, which is neutral and slightly polar, at codon 487 of the SMAD6 protein (p.Trp487Cys). Information on the frequency of this variant in the gnomAD database is not available, as this variant may be reported differently in the database. This variant has not been reported in the literature in individuals affected with SMAD6-related conditions. Experimental studies and prediction algorithms are not available or were not evaluated, and the functional significance of this variant is currently unknown. In summary, the available evidence is currently insufficient to determine the role of this variant in disease. Therefore, it has been classified as a Variant of Uncertain Significance.